The following is an entry in ClinVar:

ClinVar aggregate classification (germline): Likely benign (1 of 4 stars; one submission).

gnomAD v4.1: 149 of 1,610,246 alleles (0.0093%); highest among the groups gnomAD compares: Non-Finnish European, 0.0068%; 2 homozygotes.

Submission:

CeGaT Center for Human Genetics Tuebingen
Classification: Likely benign. Last evaluated: 2025-04-01. Review status: criteria provided, single submitter. Criteria: CeGaT Center For Human Genetics Tuebingen Variant Classification Criteria Version 2. Collection method: clinical testing. Allele origin: germline. Affected: yes. Observed: 1 variant allele.
Comment: ATP8B3: BP4

NM_138813.4(ATP8B3):c.2191-3C>T

Gene: ATP8B3 (ATPase phospholipid transporting 8B3; minus strand). Cytogenetic location: 19p13.3.
Variant type: single nucleotide variant.
Coding change: c.2191-3C>T on transcript NM_138813.4 (MANE Select); 3 bases into the intron before coding-DNA position 2191, C replaced by T.
Molecular consequence: intron variant.
Genome position (GRCh38, 1-based): chr19:1,791,864, G>A on the plus strand (C>T on the coding strand, the complement: ATP8B3 is on the minus strand). VCF-style: chr19-1791864-G-A. GRCh37 (hg19) VCF-style: chr19-1791863-G-A.
Other names: c.2080-3C>T (NM_001178002.3).
Identifiers: ClinVar variation 3898175 (VCV003898175.7).
Genomic context (GRCh38, chr19:1,791,864, plus strand): 5'-TGATGGTTTCAGGGACACCGTCCTGGAGTCTGTCCTCGATGGCTGTGGCTCCCAGCAGCT[G>A]GTGGGGGAGGAGGGCAGGGCGGGGAAGATGCTGAGCAGCCGTCCAGCTCCCTGGCGGGGG-3'